The following is an entry in ClinVar:

NM_001931.5(DLAT):c.693C>T (p.Thr231=)

Gene: DLAT (dihydrolipoamide S-acetyltransferase; plus strand). Cytogenetic location: 11q23.1.
Variant type: single nucleotide variant.
Coding change: c.693C>T on transcript NM_001931.5 (MANE Select); coding-DNA position 693, C replaced by T.
Protein change: p.Thr231=; no amino-acid change (threonine 231 retained).
Molecular consequence: synonymous variant. On other transcripts: non-coding transcript variant (1), intron variant (3).
Genome position (GRCh38, 1-based): chr11:112,033,436, C>T. VCF-style: chr11-112033436-C-T. GRCh37 (hg19) VCF-style: chr11-111904160-C-T.
Other names: p.T231T:ACC>ACT; c.693C>T, p.Thr231= (NM_001372031.1, NM_001372032.1, NM_001372033.1 and 1 more transcripts); c.660C>T, p.Thr220= (NM_001372034.1); c.567C>T, p.Thr189= (NM_001372036.1); c.525C>T, p.Thr175= (NM_001372037.1); c.414C>T, p.Thr138= (NM_001372038.1); c.231C>T, p.Thr77= (NM_001372042.1); c.660+4491C>T (NM_001372039.1, NM_001372041.1); and 1 more.
Identifiers: ClinVar variation 137091 (VCV000137091.16), dbSNP rs34680691, ClinGen allele CA290601.

ClinVar aggregate classification (germline): Benign. Review status: criteria provided, multiple submitters, no conflicts (2 of 4 stars). 4 submissions from 4 submitters: Benign (3). 1 of the submissions does not count toward it. Last evaluated 2026-01-28.

Conditions:
Pyruvate dehydrogenase E2 deficiency (PDHDD). Also called: Dihydrolipoamide Acetyltransferase (E2) Deficiency; LACTIC ACIDEMIA DUE TO DEFECT OF E2 LIPOYL TRANSACETYLASE OF THE PYRUVATE DEHYDROGENASE COMPLEX. Identifiers: Orphanet 765, Orphanet 79244, MedGen C1855565, MONDO:0009502, OMIM 245348.

Allele frequency attached by ClinVar (database versions not stated): gnomAD 0.02685 and 0.02519; ESP Exome Variant Server 0.02701; TOPMed 0.02791; 1000 Genomes Project 0.02835; 1000 Genomes Project 30x 0.03045; gnomAD exomes 0.00255 and 0.00643; ExAC 0.00791.
gnomAD v4.1: 7,773 of 1,613,858 alleles (0.48%); highest among the groups gnomAD compares: African/African-American, 8.8%; 319 homozygotes.

Submissions (4):

Labcorp Genetics (formerly Invitae), Labcorp
Classification: Benign for Pyruvate dehydrogenase E2 deficiency. Last evaluated: 2026-01-28. Review status: criteria provided, single submitter. Criteria: Invitae Variant Classification Sherloc (09022015). Collection method: clinical testing. Allele origin: germline.

GeneDx
Classification: Benign. Last evaluated: 2012-08-07. Review status: criteria provided, single submitter. Criteria: GeneDx Variant Classification (06012015). Collection method: clinical testing. Allele origin: germline. Affected: yes.
Comment: This variant is considered likely benign or benign based on one or more of the following criteria: it is a conservative change, it occurs at a poorly conserved position in the protein, it is predicted to be benign by multiple in silico algorithms, and/or has population frequency not consistent with disease.

Breakthrough Genomics
Classification: Benign. Review status: criteria provided, single submitter. Criteria: ACMG Guidelines, 2015. Collection method: not provided. Allele origin: germline. Inheritance: Autosomal recessive inheritance. Affected: yes.

Mayo Clinic Laboratories, Mayo Clinic
Classification: Benign. Last evaluated: 2016-03-16. Review status: no assertion criteria provided. Collection method: clinical testing. Allele origin: unknown. Not counted in ClinVar's aggregate classification.